The following is an entry in ClinVar:

NM_000135.4(FANCA):c.3385G>C (p.Asp1129His)

Genes: FANCA (FA complementation group A; minus strand), LOC132090450 (Neanderthal introgressed variant-containing enhancer experimental_46718; plus strand). Cytogenetic location: 16q24.3.
Variant type: single nucleotide variant.
Coding change: c.3385G>C on transcript NM_000135.4 (MANE Select); coding-DNA position 3385, G replaced by C.
Protein change: p.Asp1129His; replaces aspartic acid 1129 with histidine.
Molecular consequence: missense variant.
Genome position (GRCh38, 1-based): chr16:89,746,854, C>G on the plus strand (G>C on the coding strand, the complement: FANCA is on the minus strand). VCF-style: chr16-89746854-C-G. GRCh37 (hg19) VCF-style: chr16-89813262-C-G.
Other names: p.Asp1129His; c.3385G>C (LRG_495t1); c.3385G>C, p.Asp1129His (NM_001286167.3); short protein forms D1129H.
Identifiers: ClinVar variation 456114 (VCV000456114.16), dbSNP rs768851109, ClinGen allele CA8251199.

ClinVar aggregate classification (germline): Uncertain significance. Review status: criteria provided, multiple submitters, no conflicts (2 of 4 stars). 6 submissions from 6 submitters: Uncertain significance (5). 1 of the submissions does not count toward it. Last evaluated 2025-12-21.

Conditions:
Fanconi anemia (FA). Also called: Fanconi's anemia. Identifiers: Orphanet 84, MedGen C0015625, MeSH D005199, MONDO:0019391.
Fanconi anemia complementation group A (FANCA). Also called: Fanconi anemia, group A; FANCA-Related Fanconi Anemia. Identifiers: Orphanet 84, MedGen C3469521, MONDO:0009215, OMIM 227650.

Allele frequency attached by ClinVar (database versions not stated): gnomAD exomes 0.00010 and 0.00005; ExAC 0.00019; gnomAD 0.00001 and 0.00003; TOPMed 0.00001.
gnomAD v4.1: 76 of 1,563,200 alleles (0.0049%); highest among the groups gnomAD compares: South Asian, 0.077%; no homozygotes.

Submissions (6):

Labcorp Genetics (formerly Invitae), Labcorp
Classification: Uncertain significance for Fanconi anemia. Last evaluated: 2025-12-21. Review status: criteria provided, single submitter. Criteria: Invitae Variant Classification Sherloc (09022015). Collection method: clinical testing. Allele origin: germline.
Comment: This sequence change replaces aspartic acid, which is acidic and polar, with histidine, which is basic and polar, at codon 1129 of the FANCA protein (p.Asp1129His). This variant is present in population databases (rs768851109, gnomAD 0.07%). This missense change has been observed in individual(s) with clinical features of Fanconi Anemia (internal data). ClinVar contains an entry for this variant (Variation ID: 456114). Invitae Evidence Modeling of protein sequence and biophysical properties (such as structural, functional, and spatial information, amino acid conservation, physicochemical variation, residue mobility, and thermodynamic stability) has been performed for this missense variant. However, the output from this modeling did not meet the statistical confidence thresholds required to predict the impact of this variant on FANCA protein function. In summary, the available evidence is currently insufficient to determine the role of this variant in disease. Therefore, it has been classified as a Variant of Uncertain Significance.

Myriad Genetics, Inc.
Classification: Uncertain significance for Fanconi anemia complementation group A. Last evaluated: 2025-10-17. Review status: criteria provided, single submitter. Criteria: Myriad Autosomal Dominant, Autosomal Recessive and X-Linked Classification Criteria (2023). Collection method: clinical testing. Allele origin: unknown.
Comment: NM_000135.2(FANCA):c.3385G>C(D1129H) is a missense variant classified as a variant of uncertain significance in the context of Fanconi anemia complementation group A. D1129H has not been observed in cases with relevant disease. Relevant functional assessments of this variant are not available in the literature. D1129H has been observed in referenced population frequency databases. In summary, there is insufficient evidence to classify NM_000135.2(FANCA):c.3385G>C(D1129H) as pathogenic or benign. Please note: this variant was assessed in the context of healthy population screening.

Mayo Clinic Laboratories, Mayo Clinic
Classification: Uncertain significance. Last evaluated: 2025-08-15. Review status: criteria provided, single submitter. Criteria: ACMG Guidelines, 2015. Collection method: clinical testing. Allele origin: germline. Observed: 1 variant allele.

Fulgent Genetics
Classification: Uncertain significance for Fanconi anemia complementation group A. Last evaluated: 2021-07-13. Review status: criteria provided, single submitter. Criteria: ACMG Guidelines, 2015. Collection method: clinical testing. Allele origin: unknown.

Genetic Services Laboratory, University of Chicago
Classification: Uncertain significance. Last evaluated: 2018-04-17. Review status: criteria provided, single submitter. Criteria: ACMG Guidelines, 2015. Collection method: clinical testing. Allele origin: germline. Affected: no.

Natera, Inc.
Classification: Uncertain significance for Fanconi anemia. Last evaluated: 2019-10-28. Review status: no assertion criteria provided. Collection method: clinical testing. Allele origin: germline. Not counted in ClinVar's aggregate classification.